The following is an entry in ClinVar:

NM_014112.5(TRPS1):c.2757_2758del (p.Trp920fs)

Gene: TRPS1 (transcriptional repressor GATA binding 1; minus strand). Cytogenetic location: 8q23.3.
Variant type: Microsatellite.
Coding change: c.2757_2758del on transcript NM_014112.5 (MANE Select); coding-DNA positions 2757 to 2758, 2 bases deleted (CT; older notation c.2757_2758delCT).
Protein change: p.Trp920fs; shifts the reading frame from tryptophan 920.
Molecular consequence: frameshift variant.
Genome position (GRCh38, 1-based): chr8:115,418,395-115,418,396, AG deleted on the plus strand (CT on the coding strand, the reverse complement: TRPS1 is on the minus strand); deleting any 2 consecutive bases within chr8:115,418,395-115,418,402 gives the same sequence; the c. name uses the placement nearest the transcript's 3' end. VCF-style (leftmost placement, unchanged base first): chr8-115418394-CAG-C. GRCh37 (hg19) VCF-style: chr8-116430622-CAG-C.
Other names: c.2730_2731del, p.Trp911fs (NM_001282902.3); c.2736_2737del, p.Trp913fs (NM_001282903.3); c.2718_2719del, p.Trp907fs (NM_001330599.2); short protein forms W907fs, W911fs, W913fs, W920fs.
Identifiers: ClinVar variation 1074212 (VCV001074212.9), dbSNP rs2129768973, ClinGen allele CA2579233411.

ClinVar aggregate classification (germline): Pathogenic (1 of 4 stars; one submission).

Conditions:
Trichorhinophalangeal dysplasia type I (TRPS1). Also called: TRPS I; TRICHORHINOPHALANGEAL SYNDROME, TYPE I. Identifiers: Orphanet 77258, MedGen C0432233, MONDO:0008596, OMIM 190350.
Trichorhinophalangeal syndrome, type III (TRPS3). Also called: SUGIO-KAJII SYNDROME. Identifiers: Orphanet 77258, MedGen C1860823, OMIM 190351, MONDO:0008597.

Submission:

Labcorp Genetics (formerly Invitae), Labcorp
Classification: Pathogenic for Trichorhinophalangeal syndrome, type III; Trichorhinophalangeal dysplasia type I. Last evaluated: 2020-09-02. Review status: criteria provided, single submitter. Criteria: Invitae Variant Classification Sherloc (09022015). Collection method: clinical testing. Allele origin: germline.
Comment: This variant disrupts the C-terminus of the TRPS1 protein. Other variant(s) that disrupt this region (p.Thr1215Glnfs*27) have been determined to be pathogenic (PMID: 26113321). This suggests that variants that disrupt this region of the protein are likely to be causative of disease. For these reasons, this variant has been classified as Pathogenic. This variant has not been reported in the literature in individuals with TRPS1-related conditions. This sequence change results in a premature translational stop signal in the TRPS1 gene (p.Trp920Alafs*30). While this is not anticipated to result in nonsense mediated decay, it is expected to disrupt the last 375 amino acids of the TRPS1 protein. This variant is not present in population databases (ExAC no frequency).

Literature cited by the submitters: PubMed 26113321.